The following is an entry in ClinVar:

NM_213599.3(ANO5):c.1407+5G>A

Gene: ANO5 (anoctamin 5; plus strand). Cytogenetic location: 11p14.3.
Variant type: single nucleotide variant.
Coding change: c.1407+5G>A on transcript NM_213599.3 (MANE Select); 5 bases into the intron after coding-DNA position 1407, G replaced by A.
Molecular consequence: intron variant.
Genome position (GRCh38, 1-based): chr11:22,257,759, G>A. VCF-style: chr11-22257759-G-A. GRCh37 (hg19) VCF-style: chr11-22279305-G-A.
Other names: IVS14DS, G-A, +5; c.1404+5G>A (NM_001142649.2).
Identifiers: ClinVar variation 39276 (VCV000039276.47), dbSNP rs281865464, ClinGen allele CA343748.
Genomic context (GRCh38, chr11:22,257,759, plus strand): 5'-CTCTATACACGCGTATTCCATGGTACTTTCTTTCAGGAGCCACAGTGACATTATGGGTGA[G>A]CATTTCTTTAAAAATTGCTATAATTTCTTCAACAGGTGATTAAATGAGCTATCTCAACAG-3'

ClinVar aggregate classification (germline): Pathogenic/Likely pathogenic. Review status: criteria provided, multiple submitters, no conflicts (2 of 4 stars). 6 submissions from 5 submitters: Pathogenic (2); Likely pathogenic (1). 3 of the submissions do not count toward it. Last evaluated 2025-03-18.

Conditions:
Gnathodiaphyseal dysplasia (GDD). Also called: OSTEOGENESIS IMPERFECTA WITH UNUSUAL SKELETAL LESIONS; GNATHODIAPHYSEAL SCLEROSIS. Identifiers: Orphanet 53697, MedGen C1833736, MONDO:0008151, OMIM 166260.
Autosomal recessive limb-girdle muscular dystrophy type 2L (LGMDR12). Also called: Limb-girdle muscular dystrophy, type 2L; MUSCULAR DYSTROPHY, LIMB-GIRDLE, AUTOSOMAL RECESSIVE 12; Limb-Girdle Muscular Dystrophy R12 Anoctamin-5-Related (LGMD-R12). Identifiers: Orphanet 206549, MedGen C1969785, MONDO:0012652, OMIM 611307.
ANO5-related disorder. Also called: ANO5-related disorders; ANO5-related condition. Identifiers: MedGen CN239193.
Miyoshi muscular dystrophy 3 (MMD3). Also called: Miyoshi myopathy 3; Miyoshi Muscular Dystrophy 3 (MMD3). Identifiers: Orphanet 399096, MedGen C2750076, MONDO:0013222, OMIM 613319.

Allele frequency attached by ClinVar (database versions not stated): gnomAD 0.00001; gnomAD exomes 0.00001; ExAC 0.00002.
gnomAD v4.1: 8 of 1,605,324 alleles (0.0005%); highest among the groups gnomAD compares: East Asian, 0.0022%; no homozygotes.

Submissions (6):

Labcorp Genetics (formerly Invitae), Labcorp
Classification: Likely pathogenic for Autosomal recessive limb-girdle muscular dystrophy type 2L; Gnathodiaphyseal dysplasia. Last evaluated: 2025-03-18. Review status: criteria provided, single submitter. Criteria: Invitae Variant Classification Sherloc (09022015). Collection method: clinical testing. Allele origin: germline.
Comment: This sequence change falls in intron 14 of the ANO5 gene. It does not directly change the encoded amino acid sequence of the ANO5 protein. It affects a nucleotide within the consensus splice site. This variant is present in population databases (rs281865464, gnomAD 0.004%). This variant has been observed in individuals with clinical features of autosomal recessive ANO5-related muscular dystrophy (PMID: 22402862, 22499103, 32528171). ClinVar contains an entry for this variant (Variation ID: 39276). Variants that disrupt the consensus splice site are a relatively common cause of aberrant splicing (PMID: 17576681, 9536098). Algorithms developed to predict the effect of sequence changes on RNA splicing suggest that this variant may disrupt the consensus splice site. In summary, the currently available evidence indicates that the variant is pathogenic, but additional data are needed to prove that conclusively. Therefore, this variant has been classified as Likely Pathogenic.

Blueprint Genetics
Classification: Pathogenic for ANO5-related disorders. Last evaluated: 2022-08-22. Review status: criteria provided, single submitter. Criteria: ACMG Guidelines, 2015. Collection method: clinical testing. Allele origin: germline. Affected: yes. Observed: 1 variant allele.

CeGaT Center for Human Genetics Tuebingen
Classification: Pathogenic. Last evaluated: 2018-10-01. Review status: criteria provided, single submitter. Criteria: CeGaT Center For Human Genetics Tuebingen Variant Classification Criteria Version 2. Collection method: clinical testing. Allele origin: germline. Affected: yes. Observed: 1 variant allele.

OMIM
Classification: Pathogenic for MUSCULAR DYSTROPHY, LIMB-GIRDLE, AUTOSOMAL RECESSIVE 12. Last evaluated: 2012-03-20. Review status: no assertion criteria provided. Collection method: literature only. Allele origin: germline. Not counted in ClinVar's aggregate classification.

OMIM
Classification: Pathogenic for MIYOSHI MUSCULAR DYSTROPHY 3. Last evaluated: 2012-03-20. Review status: no assertion criteria provided. Collection method: literature only. Allele origin: germline. Not counted in ClinVar's aggregate classification.

GeneReviews
No classification provided. Condition: Autosomal recessive limb-girdle muscular dystrophy type 2L. Review status: no classification provided. Collection method: literature only. Allele origin: unknown. Not counted in ClinVar's aggregate classification.

Literature cited by the submitters: PubMed 22402862 (cited by Labcorp Genetics (formerly Invitae), Labcorp and OMIM); PubMed 22499103 (cited by Labcorp Genetics (formerly Invitae), Labcorp); PubMed 32528171 (cited by Labcorp Genetics (formerly Invitae), Labcorp); PubMed 17576681 (cited by Labcorp Genetics (formerly Invitae), Labcorp); PubMed 9536098 (cited by Labcorp Genetics (formerly Invitae), Labcorp); PubMed 23193613 (cited by GeneReviews); NCBI Bookshelf NBK114459 (cited by GeneReviews).